The following is an entry in ClinVar:

NM_000122.2(ERCC3):c.437C>T (p.Thr146Ile)

Gene: ERCC3 (ERCC excision repair 3, TFIIH core complex helicase subunit; minus strand). Cytogenetic location: 2q14.3.
Variant type: single nucleotide variant.
Coding change: c.437C>T on transcript NM_000122.2 (MANE Select); coding-DNA position 437, C replaced by T.
Protein change: p.Thr146Ile; replaces threonine 146 with isoleucine.
Molecular consequence: missense variant.
Genome position (GRCh38, 1-based): chr2:127,292,644, G>A on the plus strand (C>T on the coding strand, the complement: ERCC3 is on the minus strand). VCF-style: chr2-127292644-G-A. GRCh37 (hg19) VCF-style: chr2-128050220-G-A.
Other names: c.245C>T, p.Thr82Ile (NM_001303416.2, NM_001303418.2); short protein forms T146I, T82I.
Identifiers: ClinVar variation 1903438 (VCV001903438.3), dbSNP rs149781954, ClinGen allele CA1858549.

ClinVar aggregate classification (germline): Uncertain significance (1 of 4 stars; one submission).

Allele frequency attached by ClinVar (database versions not stated): gnomAD exomes below 0.00001; ExAC 0.00002; TOPMed 0.00004; gnomAD 0.00007; ESP Exome Variant Server 0.00008.
gnomAD v4.1: 12 of 1,613,846 alleles (0.00074%); highest among the groups gnomAD compares: African/African-American, 0.016%; no homozygotes.

Submission:

Labcorp Genetics (formerly Invitae), Labcorp
Classification: Uncertain significance. Last evaluated: 2025-02-17. Review status: criteria provided, single submitter. Criteria: Invitae Variant Classification Sherloc (09022015). Collection method: clinical testing. Allele origin: germline.
Comment: This sequence change replaces threonine, which is neutral and polar, with isoleucine, which is neutral and non-polar, at codon 146 of the ERCC3 protein (p.Thr146Ile). This variant is present in population databases (rs149781954, gnomAD 0.02%). This variant has not been reported in the literature in individuals affected with ERCC3-related conditions. ClinVar contains an entry for this variant (Variation ID: 1903438). Invitae Evidence Modeling of protein sequence and biophysical properties (such as structural, functional, and spatial information, amino acid conservation, physicochemical variation, residue mobility, and thermodynamic stability) indicates that this missense variant is not expected to disrupt ERCC3 protein function with a negative predictive value of 80%. In summary, the available evidence is currently insufficient to determine the role of this variant in disease. Therefore, it has been classified as a Variant of Uncertain Significance.